The following is an entry in ClinVar:

NM_033026.6(PCLO):c.4623T>A (p.Tyr1541Ter)

Gene: PCLO (piccolo presynaptic cytomatrix protein; minus strand). Cytogenetic location: 7q21.11.
Variant type: single nucleotide variant.
Coding change: c.4623T>A on transcript NM_033026.6 (MANE Select); coding-DNA position 4623, T replaced by A.
Protein change: p.Tyr1541Ter; replaces tyrosine 1541 with a stop codon.
Molecular consequence: nonsense.
Genome position (GRCh38, 1-based): chr7:82,956,330, A>T on the plus strand (T>A on the coding strand, the complement: PCLO is on the minus strand). VCF-style: chr7-82956330-A-T. GRCh37 (hg19) VCF-style: chr7-82585646-A-T.
Other names: c.4623T>A, p.Tyr1541Ter (NM_014510.3); short protein forms Y1541*.
Identifiers: ClinVar variation 2003121 (VCV002003121.4), dbSNP rs1795518054, ClinGen allele CA367926361.

ClinVar aggregate classification (germline): Pathogenic (1 of 4 stars; one submission).

Allele frequency attached by ClinVar (database versions not stated): TOPMed below 0.00001.

Submission:

Labcorp Genetics (formerly Invitae), Labcorp
Classification: Pathogenic. Last evaluated: 2022-06-07. Review status: criteria provided, single submitter. Criteria: Invitae Variant Classification Sherloc (09022015). Collection method: clinical testing. Allele origin: germline.
Comment: This variant is not present in population databases (gnomAD no frequency). This variant has not been reported in the literature in individuals affected with PCLO-related conditions. For these reasons, this variant has been classified as Pathogenic. This sequence change creates a premature translational stop signal (p.Tyr1541*) in the PCLO gene. It is expected to result in an absent or disrupted protein product. Loss-of-function variants in PCLO are known to be pathogenic (PMID: 25832664, 30287594).

Literature cited by the submitters: PubMed 25832664; PubMed 30287594.